The following is an entry in ClinVar:

NM_004820.5(CYP7B1):c.104T>G (p.Leu35Trp)

Gene: CYP7B1 (cytochrome P450 family 7 subfamily B member 1; minus strand). Cytogenetic location: 8q12.3.
Variant type: single nucleotide variant.
Coding change: c.104T>G on transcript NM_004820.5 (MANE Select); coding-DNA position 104, T replaced by G.
Protein change: p.Leu35Trp; replaces leucine 35 with tryptophan.
Molecular consequence: missense variant.
Genome position (GRCh38, 1-based): chr8:64,798,484, A>C on the plus strand (T>G on the coding strand, the complement: CYP7B1 is on the minus strand). VCF-style: chr8-64798484-A-C. GRCh37 (hg19) VCF-style: chr8-65711041-A-C.
Other names: c.104T>G, p.Leu35Trp (NM_001324112.2); short protein forms L35W.
Identifiers: ClinVar variation 1503932 (VCV001503932.6), dbSNP rs2129747643, ClinGen allele CA371408161.
Genomic context (GRCh38, chr8:64,798,484, plus strand): 5'-GGGCCCAGGGCGCATGCGTGGCCTGGCGGCCGAGGCGCTTACCTGGTGCGCCGGACAAGC[A>C]AGCAGAGGGCCAGGAGCAGCAGGGCCGCGGCGAGGGCCAGGCCCGGGAGGCCCAACCGCT-3'
Protein context (NP_004811.1, residues 25-45): AAALLLLALC[Leu35Trp]LVRRTRRPGE

ClinVar aggregate classification (germline): Uncertain significance (1 of 4 stars; one submission).

Conditions:
Spastic paraplegia. Identifiers: MedGen C0037772, HP:0001258.

Allele frequency attached by ClinVar (database versions not stated): gnomAD exomes below 0.00001.
gnomAD v4.1: 1 of 1,513,460 alleles (0.000066%); highest among the groups gnomAD compares: Admixed American, 0.0021%; no homozygotes.

Submission:

Labcorp Genetics (formerly Invitae), Labcorp
Classification: Uncertain significance for Spastic paraplegia. Last evaluated: 2022-12-06. Review status: criteria provided, single submitter. Criteria: Invitae Variant Classification Sherloc (09022015). Collection method: clinical testing. Allele origin: germline.
Comment: This sequence change replaces leucine, which is neutral and non-polar, with tryptophan, which is neutral and slightly polar, at codon 35 of the CYP7B1 protein (p.Leu35Trp). In summary, the available evidence is currently insufficient to determine the role of this variant in disease. Therefore, it has been classified as a Variant of Uncertain Significance. Advanced modeling of protein sequence and biophysical properties (such as structural, functional, and spatial information, amino acid conservation, physicochemical variation, residue mobility, and thermodynamic stability) performed at Invitae indicates that this missense variant is not expected to disrupt CYP7B1 protein function. ClinVar contains an entry for this variant (Variation ID: 1503932). This variant has not been reported in the literature in individuals affected with CYP7B1-related conditions. This variant is not present in population databases (gnomAD no frequency).